The following is an entry in ClinVar:

ClinVar aggregate classification (germline): Uncertain significance. Review status: criteria provided, multiple submitters, no conflicts (2 of 4 stars). 2 submissions from 2 submitters: Uncertain significance (2). Last evaluated 2025-06-12.

Allele frequency attached by ClinVar (database versions not stated): gnomAD 0.00001; gnomAD exomes 0.00001 and 0.00003; TOPMed 0.00001; ExAC 0.00002.
gnomAD v4.1: 12 of 1,584,382 alleles (0.00076%); highest among the groups gnomAD compares: South Asian, 0.012%; no homozygotes.

Submissions (2):

Ambry Genetics
Classification: Uncertain significance. Last evaluated: 2025-06-12. Review status: criteria provided, single submitter. Criteria: Ambry Variant Classification Scheme 2023. Collection method: clinical testing. Allele origin: germline.

Labcorp Genetics (formerly Invitae), Labcorp
Classification: Uncertain significance. Last evaluated: 2020-12-05. Review status: criteria provided, single submitter. Criteria: Invitae Variant Classification Sherloc (09022015). Collection method: clinical testing. Allele origin: germline.
Comment: Algorithms developed to predict the effect of missense changes on protein structure and function output the following: SIFT: "Tolerated"; PolyPhen-2: "Benign"; Align-GVGD: "Class C0". The glycine amino acid residue is found in multiple mammalian species, suggesting that this missense change does not adversely affect protein function. These predictions have not been confirmed by published functional studies and their clinical significance is uncertain. In summary, the available evidence is currently insufficient to determine the role of this variant in disease. Therefore, it has been classified as a Variant of Uncertain Significance. This variant has not been reported in the literature in individuals with FSCN2-related conditions. This variant is present in population databases (rs782073381, ExAC 0.01%). This sequence change replaces glutamic acid with glycine at codon 203 of the FSCN2 protein (p.Glu203Gly). The glutamic acid residue is highly conserved and there is a moderate physicochemical difference between glutamic acid and glycine.

NM_012418.4(FSCN2):c.608A>G (p.Glu203Gly)

Gene: FSCN2 (fascin actin-bundling protein 2, retinal; plus strand). Cytogenetic location: 17q25.3.
Variant type: single nucleotide variant.
Coding change: c.608A>G on transcript NM_012418.4 (MANE Select); coding-DNA position 608, A replaced by G.
Protein change: p.Glu203Gly; replaces glutamic acid 203 with glycine.
Molecular consequence: missense variant.
Genome position (GRCh38, 1-based): chr17:81,529,139, A>G. VCF-style: chr17-81529139-A-G. GRCh37 (hg19) VCF-style: chr17-79496165-A-G.
Other names: c.608A>G, p.Glu203Gly (NM_001077182.3); c.608A>G (NM_001077182.2); short protein forms E203G.
Identifiers: ClinVar variation 1354214 (VCV001354214.9), dbSNP rs782073381, ClinGen allele CA8836734.
Genomic context (GRCh38, chr17:81,529,139, plus strand): 5'-GGTACTGCCTCAAGTCCTGTGACAGCCGCTACCTGCGCAGCGACGGCCGTCTGGTCTGGG[A>G]GCCTGAGCCCCGTGCCTGCTACACGCTGGAGTTCAAGGCGGGCAAGCTGGCCTTCAAGGA-3'
Protein context (NP_036550.1, residues 193-213): YLRSDGRLVW[Glu203Gly]PEPRACYTLE